The following is an entry in ClinVar:

ClinVar aggregate classification (germline): Benign. Review status: criteria provided, multiple submitters, no conflicts (2 of 4 stars). 16 submissions from 16 submitters: Benign (12). 4 of the submissions do not count toward it. Last evaluated 2026-02-04.

Conditions:
Colorectal cancer, susceptibility to, 12 (CRCS12). Also called: COLORECTAL CANCER, SUSCEPTIBILITY TO, ON CHROMOSOME 12q24. Identifiers: Orphanet 220460, MedGen C3554460, MONDO:0014038, OMIM 615083.
Facial dysmorphism-immunodeficiency-livedo-short stature syndrome. Also called: FILS syndrome; Facial dysmorphism, immunodeficiency, livedo, and short stature. Identifiers: Orphanet 352712, MedGen C3554576, MONDO:0014058, OMIM 615139.
Intrauterine growth retardation, metaphyseal dysplasia, adrenal hypoplasia congenita, genital anomalies, and immunodeficiency. Also called: IMAGEI SYNDROME. Identifiers: MedGen C5193036, MONDO:0032684, OMIM 618336.
Hereditary cancer-predisposing syndrome. Also called: Tumor predisposition; Hereditary neoplastic syndrome; Neoplastic Syndromes, Hereditary; Hereditary Cancer Syndrome. Identifiers: Orphanet 140162, MedGen C0027672, MeSH D009386, MONDO:0015356.
Malignant tumor of breast. Also called: Malignant breast neoplasm; Cancer breast. Identifiers: MedGen C0006142, MONDO:0007254. Disease mechanism: loss of function.

Allele frequency attached by ClinVar (database versions not stated): 1000 Genomes Project 30x 0.01811; 1000 Genomes Project 0.01837; TOPMed 0.01878; ESP Exome Variant Server 0.02022.
gnomAD v4.1: 5,644 of 1,582,118 alleles (0.36%); highest among the groups gnomAD compares: African/African-American, 5.8%; 137 homozygotes.

Submissions (16):

Labcorp Genetics (formerly Invitae), Labcorp
Classification: Benign. Last evaluated: 2026-02-04. Review status: criteria provided, single submitter. Criteria: Invitae Variant Classification Sherloc (09022015). Collection method: clinical testing. Allele origin: germline.

Center for Genomic Medicine, Rigshospitalet, Copenhagen University Hospital
Classification: Benign. Last evaluated: 2025-03-04. Review status: criteria provided, single submitter. Criteria: ACMG Guidelines, 2015. Collection method: clinical testing. Allele origin: germline.

ARUP Laboratories, Molecular Genetics and Genomics, ARUP Laboratories
Classification: Benign. Last evaluated: 2023-11-29. Review status: criteria provided, single submitter. Criteria: ARUP Molecular Germline Variant Investigation Process 2024. Collection method: clinical testing. Allele origin: germline.

KCCC/NGS Laboratory, Kuwait Cancer Control Center
Classification: Benign for Colorectal cancer, susceptibility to, 12. Last evaluated: 2023-07-07. Review status: criteria provided, single submitter. Criteria: ACMG Guidelines, 2015. Collection method: clinical testing. Allele origin: germline. Affected: yes.

Fulgent Genetics
Classification: Benign for Colorectal cancer, susceptibility to, 12; Facial dysmorphism-immunodeficiency-livedo-short stature syndrome; Intrauterine growth retardation, metaphyseal dysplasia, adrenal hypoplasia congenita, genital anomalies, and immunodeficiency. Last evaluated: 2021-07-19. Review status: criteria provided, single submitter. Criteria: ACMG Guidelines, 2015. Collection method: clinical testing. Allele origin: unknown.

Mayo Clinic Laboratories, Mayo Clinic
Classification: Benign. Last evaluated: 2021-04-26. Review status: criteria provided, single submitter. Criteria: ACMG Guidelines, 2015. Collection method: clinical testing. Allele origin: germline. Observed: 6 variant alleles.

PreventionGenetics, part of Exact Sciences
Classification: Benign. Last evaluated: 2016-11-22. Review status: criteria provided, single submitter. Criteria: ACMG Guidelines, 2015. Collection method: clinical testing. Allele origin: germline.

Quest Diagnostics Nichols Institute San Juan Capistrano
Classification: Benign. Last evaluated: 2016-08-09. Review status: criteria provided, single submitter. Criteria: Quest Diagnostics criteria. Collection method: clinical testing. Allele origin: unknown.

Women's Health and Genetics/Laboratory Corporation of America, LabCorp
Classification: Benign. Last evaluated: 2016-05-19. Review status: criteria provided, single submitter. Criteria: LabCorp Variant Classification Summary - May 2015. Collection method: clinical testing. Allele origin: germline.
Comment: Variant summary: The POLE c.4552-10G>T variant involves the alteration of a non-conserved intronic nucleotide. One in silico tool predicts a benign outcome for this variant, and 3/5 Alamut algorithms predict no significant change to splicing. This variant was found in 676/99708 control chromosomes (13 homozygotes) at a frequency of 0.0067798, which is approximately 477 times the estimated maximal expected allele frequency of a pathogenic POLE variant (0.0000142), highly suggesting this variant is a benign polymorphism. The variant of interest has not, to our knowledge, been reported in affected individuals via publications and/or reputable databases/clinical diagnostic laboratories; nor evaluated for functional impact by in vivo/vitro studies. Taken together, this variant is classified as Benign.

GeneDx
Classification: Benign. Last evaluated: 2015-11-12. Review status: criteria provided, single submitter. Criteria: GeneDx Variant Classification (06012015). Collection method: clinical testing. Allele origin: germline. Affected: yes.
Comment: This variant is considered likely benign or benign based on one or more of the following criteria: it is a conservative change, it occurs at a poorly conserved position in the protein, it is predicted to be benign by multiple in silico algorithms, and/or has population frequency not consistent with disease.

Ambry Genetics
Classification: Benign for Hereditary cancer-predisposing syndrome. Last evaluated: 2015-05-19. Review status: criteria provided, single submitter. Criteria: Ambry Variant Classification Scheme 2023. Collection method: clinical testing. Allele origin: germline.

Breakthrough Genomics
Classification: Benign. Review status: criteria provided, single submitter. Criteria: ACMG Guidelines, 2015. Collection method: not provided. Allele origin: germline. Inheritance: Autosomal recessive inheritance. Affected: yes.

Clinical Genetics, Academic Medical Center
Classification: Benign. Review status: no assertion criteria provided. Collection method: clinical testing. Allele origin: germline. Affected: yes. Study: VKGL Data-share Consensus. Not counted in ClinVar's aggregate classification.

Department of Pathology and Laboratory Medicine, Sinai Health System
Classification: Benign for Malignant tumor of breast. Review status: no assertion criteria provided. Collection method: clinical testing. Allele origin: unknown. Affected: yes. Study: The Canadian Open Genetics Repository (COGR). Not counted in ClinVar's aggregate classification.
Comment: The POLE c.4552-10G>T variant was identified in dbSNP (ID: rs5744946) â€šÃ„ÃºWith Benign, Likely benign alleleâ€šÃ„Ã¹, and ClinVar (classified benign by GeneDx, Invitae and 4 other laboratories). The variant was identified in control databases in 1652 (41 homozygous) of 244502 chromosomes at a frequency of 0.007 increasing the likelihood this could be a low frequency benign variant (Genome Aggregation Database Feb 27, 2017). The variant was observed in the following populations: African in 1355 (40 homozygous) of 22986 chromosomes (freq: 0.06), Other in 29 of 5608 chromosomes (freq: 0.005), Latino in 118 (1 homozygous) of 27424 chromosomes (freq: 0.004), European Non-Finnish in 59 of 113062 chromosomes (freq: 0.0005), Ashkenazi Jewish in 81 of 8140 chromosomes (freq: 0.01), and South Asian in 10 of 25926 chromosomes (freq: 0.0004) while not observed in the Eas Asian and European Finnish populations. In summary, based on the above information this variant meets our laboratory's criteria to be classified as benign.

Genome Diagnostics Laboratory, Amsterdam University Medical Center
Classification: Benign. Review status: no assertion criteria provided. Collection method: clinical testing. Allele origin: germline. Affected: yes. Study: VKGL Data-share Consensus. Not counted in ClinVar's aggregate classification.

Joint Genome Diagnostic Labs from Nijmegen and Maastricht, Radboudumc and MUMC+
Classification: Benign. Review status: no assertion criteria provided. Collection method: clinical testing. Allele origin: germline. Affected: yes. Study: VKGL Data-share Consensus. Not counted in ClinVar's aggregate classification.

NM_006231.4(POLE):c.4552-10G>T

Gene: POLE (DNA polymerase epsilon, catalytic subunit; minus strand). Cytogenetic location: 12q24.33.
Variant type: single nucleotide variant.
Coding change: c.4552-10G>T on transcript NM_006231.4 (MANE Select); 10 bases into the intron before coding-DNA position 4552, G replaced by T.
Molecular consequence: intron variant.
Genome position (GRCh38, 1-based): chr12:132,643,006, C>A on the plus strand (G>T on the coding strand, the complement: POLE is on the minus strand). VCF-style: chr12-132643006-C-A. GRCh37 (hg19) VCF-style: chr12-133219592-C-A.
Other names: p.?.
Identifiers: ClinVar variation 380231 (VCV000380231.40), dbSNP rs5744946, ClinGen allele CA6892780.